The following is an entry in ClinVar:

ClinVar aggregate classification (germline): Benign. Review status: criteria provided, multiple submitters, no conflicts (2 of 4 stars). 3 submissions from 3 submitters: Benign (2). 1 of the submissions does not count toward it. Last evaluated 2026-01-18.

Conditions:
SLC27A5-related disorder. Also called: SLC27A5-related condition.

Allele frequency attached by ClinVar (database versions not stated): ExAC 0.00038; 1000 Genomes Project 0.00160; ESP Exome Variant Server 0.00169; TOPMed 0.00187; 1000 Genomes Project 30x 0.00156; gnomAD 0.00168 and 0.00159; gnomAD exomes 0.00038.
gnomAD v4.1: 493 of 1,613,744 alleles (0.031%); highest among the groups gnomAD compares: African/African-American, 0.58%; no homozygotes.

Submissions (4):

Labcorp Genetics (formerly Invitae), Labcorp
Classification: Benign. Last evaluated: 2026-01-18. Review status: criteria provided, single submitter. Criteria: Invitae Variant Classification Sherloc (09022015). Collection method: clinical testing. Allele origin: germline.

Eurofins Ntd Llc (ga)
Classification: Benign. Last evaluated: 2016-07-14. Review status: criteria provided, single submitter. Criteria: EGL Classification Definitions 2015. Collection method: clinical testing. Allele origin: germline. Observed: 1 variant allele, 1 heterozygote.

PreventionGenetics, part of Exact Sciences
Classification: Likely benign for SLC27A5-related condition. Last evaluated: 2021-03-24. Review status: no assertion criteria provided. Collection method: clinical testing. Allele origin: germline. Not counted in ClinVar's aggregate classification.
Comment: This variant is classified as likely benign based on ACMG/AMP sequence variant interpretation guidelines (Richards et al. 2015 PMID: 25741868, with internal and published modifications).

Dr. Peter K. Rogan Lab, Western University
No classification provided (evidence only). Condition: Hepatocellular carcinoma. Review status: no classification provided. Collection method: in vitro. Allele origin: not applicable. Functional consequence: retained intron. Not counted in ClinVar's aggregate classification.

NM_012254.3(SLC27A5):c.1125C>T (p.Gly375=)

Gene: SLC27A5 (solute carrier family 27 member 5; minus strand). Cytogenetic location: 19q13.43.
Variant type: single nucleotide variant.
Coding change: c.1125C>T on transcript NM_012254.3 (MANE Select); coding-DNA position 1125, C replaced by T.
Protein change: p.Gly375=; no amino-acid change (glycine 375 retained).
Molecular consequence: synonymous variant.
Genome position (GRCh38, 1-based): chr19:58,501,343, G>A on the plus strand (C>T on the coding strand, the complement: SLC27A5 is on the minus strand). VCF-style: chr19-58501343-G-A. GRCh37 (hg19) VCF-style: chr19-59012710-G-A.
Other names: c.873C>T, p.Gly291= (NM_001321196.2); c.1125C>T (NM_012254.2).
Identifiers: ClinVar variation 289552 (VCV000289552.12), dbSNP rs144295671, ClinGen allele CA9718099.